The following is an entry in ClinVar:

ClinVar aggregate classification (germline): Uncertain significance. Review status: criteria provided, multiple submitters, no conflicts (2 of 4 stars). 2 submissions from 2 submitters: Uncertain significance (2). Last evaluated 2024-07-30.

Conditions:
Inborn genetic diseases. Identifiers: MedGen C0950123, MeSH D030342.

Allele frequency attached by ClinVar (database versions not stated): gnomAD exomes below 0.00001; ExAC 0.00001; TOPMed 0.00001; gnomAD 0.00002; ESP Exome Variant Server 0.00008.
gnomAD v4.1: 5 of 1,614,084 alleles (0.00031%); highest among the groups gnomAD compares: African/African-American, 0.0067%; no homozygotes.

Submissions (2):

Ambry Genetics
Classification: Uncertain significance for Inborn genetic diseases. Last evaluated: 2024-07-30. Review status: criteria provided, single submitter. Criteria: Ambry Variant Classification Scheme 2023. Collection method: clinical testing. Allele origin: germline.

GeneDx
Classification: Uncertain significance. Last evaluated: 2019-12-26. Review status: criteria provided, single submitter. Criteria: GeneDx Variant Classification Process June 2021. Collection method: clinical testing. Allele origin: germline. Affected: yes.
Comment: In silico analysis, which includes protein predictors and evolutionary conservation, supports a deleterious effect; Has not been previously published as pathogenic or benign to our knowledge

NM_014141.6(CNTNAP2):c.3436T>C (p.Phe1146Leu)

Gene: CNTNAP2 (contactin associated protein 2; plus strand). Cytogenetic location: 7q36.1.
Variant type: single nucleotide variant.
Coding change: c.3436T>C on transcript NM_014141.6 (MANE Select); coding-DNA position 3436, T replaced by C.
Protein change: p.Phe1146Leu; replaces phenylalanine 1146 with leucine.
Molecular consequence: missense variant.
Genome position (GRCh38, 1-based): chr7:148,267,087, T>C. VCF-style: chr7-148267087-T-C. GRCh37 (hg19) VCF-style: chr7-147964179-T-C.
Other names: short protein forms F1146L.
Identifiers: ClinVar variation 1318503 (VCV001318503.3), dbSNP rs372173607, ClinGen allele CA4546655.